The following is an entry in ClinVar:

NM_000264.5(PTCH1):c.2788G>A (p.Asp930Asn)

Gene: PTCH1 (patched 1; minus strand). Cytogenetic location: 9q22.32.
Variant type: single nucleotide variant.
Coding change: c.2788G>A on transcript NM_000264.5 (MANE Select); coding-DNA position 2788, G replaced by A.
Protein change: p.Asp930Asn; replaces aspartic acid 930 with asparagine.
Molecular consequence: missense variant. On other transcripts: non-coding transcript variant (1).
Genome position (GRCh38, 1-based): chr9:95,459,699, C>T on the plus strand (G>A on the coding strand, the complement: PTCH1 is on the minus strand). VCF-style: chr9-95459699-C-T. GRCh37 (hg19) VCF-style: chr9-98221981-C-T.
Other names: c.2590G>A, p.Asp864Asn (NM_001083602.3); c.2785G>A, p.Asp929Asn (NM_001083603.3); c.2335G>A, p.Asp779Asn (NM_001083604.3, NM_001083605.3, NM_001083606.3 and 1 more transcripts); c.2632G>A, p.Asp878Asn (NM_001354918.2); short protein forms D864N, D930N, D929N, D779N, D878N.
Identifiers: ClinVar variation 573188 (VCV000573188.17), dbSNP rs539755311, ClinGen allele CA5138327.

ClinVar aggregate classification (germline): Conflicting classifications of pathogenicity. Review status: criteria provided, conflicting classifications (1 of 4 stars). 3 submissions from 3 submitters: Uncertain significance (1); Likely benign (2). Last evaluated 2026-02-01.

Conditions:
Hereditary cancer-predisposing syndrome. Also called: Tumor predisposition; Hereditary Cancer Syndrome; Hereditary neoplastic syndrome; Neoplastic Syndromes, Hereditary. Identifiers: Orphanet 140162, MedGen C0027672, MeSH D009386, MONDO:0015356.
Gorlin syndrome. Also called: Basal cell nevus syndrome; Nevoid Basal Cell Carcinoma Syndrome. Identifiers: Orphanet 377, MedGen C0004779, MONDO:0007187.

Allele frequency attached by ClinVar (database versions not stated): gnomAD exomes 0.00001 and 0.00003; TOPMed 0.00001; ExAC 0.00002; gnomAD 0.00003; 1000 Genomes Project 30x 0.00016; 1000 Genomes Project 0.00020.
gnomAD v4.1: 45 of 1,614,152 alleles (0.0028%); highest among the groups gnomAD compares: Non-Finnish European, 0.0035%; no homozygotes.

Submissions (3):

CeGaT Center for Human Genetics Tuebingen
Classification: Uncertain significance. Last evaluated: 2026-02-01. Review status: criteria provided, single submitter. Criteria: CeGaT Center For Human Genetics Tuebingen Variant Classification Criteria Version 2. Collection method: clinical testing. Allele origin: germline. Affected: yes. Observed: 1 variant allele.
Comment: PTCH1: PP3

Labcorp Genetics (formerly Invitae), Labcorp
Classification: Likely benign for Gorlin syndrome. Last evaluated: 2026-01-26. Review status: criteria provided, single submitter. Criteria: Invitae Variant Classification Sherloc (09022015). Collection method: clinical testing. Allele origin: germline.

Ambry Genetics
Classification: Likely benign for Hereditary cancer-predisposing syndrome. Last evaluated: 2024-11-09. Review status: criteria provided, single submitter. Criteria: Ambry Variant Classification Scheme 2023. Collection method: clinical testing. Allele origin: germline.